The following is an entry in ClinVar:

NM_001048166.1(STIL):c.2416G>A (p.Asp806Asn)

Gene: STIL (STIL centriolar assembly protein; minus strand). Cytogenetic location: 1p33.
Variant type: single nucleotide variant.
Coding change: c.2416G>A on transcript NM_001048166.1 (MANE Select); coding-DNA position 2416, G replaced by A.
Protein change: p.Asp806Asn; replaces aspartic acid 806 with asparagine.
Molecular consequence: missense variant.
Genome position (GRCh38, 1-based): chr1:47,269,834, C>T on the plus strand (G>A on the coding strand, the complement: STIL is on the minus strand). VCF-style: chr1-47269834-C-T. GRCh37 (hg19) VCF-style: chr1-47735506-C-T.
Other names: c.2416G>A, p.Asp806Asn (NM_001282936.1, NM_001282937.1, NM_003035.2); c.2275G>A, p.Asp759Asn (NM_001282938.1, NM_001282939.1, NM_001377417.1); short protein forms D759N, D806N.
Identifiers: ClinVar variation 3571727 (VCV003571727.2).

ClinVar aggregate classification (germline): Uncertain significance (1 of 4 stars; one submission).

gnomAD v4.1: 2 of 1,614,150 alleles (0.00012%); highest among the groups gnomAD compares: Non-Finnish European, 0.00017%; no homozygotes.

Submission:

Athena Diagnostics
Classification: Uncertain significance. Last evaluated: 2024-12-09. Review status: criteria provided, single submitter. Criteria: Athena Diagnostics Criteria. Collection method: clinical testing. Allele origin: unknown.
Comment: Available data are insufficient to determine the clinical significance of the variant at this time. This variant has not been reported in large, multi-ethnic general populations. Polyphen and MutationTaster predict this amino acid change may be benign.